The following is an entry in ClinVar:

ClinVar aggregate classification (germline): Uncertain significance (1 of 4 stars; one submission).

Allele frequency attached by ClinVar (database versions not stated): gnomAD exomes below 0.00001 and 0.00001; gnomAD 0.00001; TOPMed 0.00001.
gnomAD v4.1: 20 of 1,613,342 alleles (0.0012%); highest among the groups gnomAD compares: East Asian, 0.0022%; no homozygotes.

Submission:

Labcorp Genetics (formerly Invitae), Labcorp
Classification: Uncertain significance. Last evaluated: 2022-03-30. Review status: criteria provided, single submitter. Criteria: Invitae Variant Classification Sherloc (09022015). Collection method: clinical testing. Allele origin: germline.
Comment: This sequence change replaces isoleucine, which is neutral and non-polar, with valine, which is neutral and non-polar, at codon 1979 of the BAZ2B protein (p.Ile1979Val). This variant is present in population databases (rs752973427, gnomAD 0.006%). This variant has not been reported in the literature in individuals affected with BAZ2B-related conditions. Algorithms developed to predict the effect of missense changes on protein structure and function are either unavailable or do not agree on the potential impact of this missense change (SIFT: "Deleterious"; PolyPhen-2: "Benign"; Align-GVGD: "Class C25"). In summary, the available evidence is currently insufficient to determine the role of this variant in disease. Therefore, it has been classified as a Variant of Uncertain Significance.

NM_013450.4(BAZ2B):c.5935A>G (p.Ile1979Val)

Gene: BAZ2B (bromodomain adjacent to zinc finger domain 2B; minus strand). Cytogenetic location: 2q24.2.
Variant type: single nucleotide variant.
Coding change: c.5935A>G on transcript NM_013450.4 (MANE Select); coding-DNA position 5935, A replaced by G.
Protein change: p.Ile1979Val; replaces isoleucine 1979 with valine.
Molecular consequence: missense variant.
Genome position (GRCh38, 1-based): chr2:159,332,548, T>C on the plus strand (A>G on the coding strand, the complement: BAZ2B is on the minus strand). VCF-style: chr2-159332548-T-C. GRCh37 (hg19) VCF-style: chr2-160189059-T-C.
Other names: c.5827A>G, p.Ile1943Val (NM_001289975.1); c.5878A>G, p.Ile1960Val (NM_001329857.2); c.5860A>G, p.Ile1954Val (NM_001329858.2); short protein forms I1960V, I1979V, I1943V, I1954V.
Identifiers: ClinVar variation 1463394 (VCV001463394.6), dbSNP rs752973427, ClinGen allele CA58688610.